The following is an entry in ClinVar:

NM_033022.4(RPS24):c.178T>A (p.Phe60Ile)

Gene: RPS24 (ribosomal protein S24; plus strand). Cytogenetic location: 10q22.3.
Variant type: single nucleotide variant.
Coding change: c.178T>A on transcript NM_033022.4 (MANE Select); coding-DNA position 178, T replaced by A.
Protein change: p.Phe60Ile; replaces phenylalanine 60 with isoleucine.
Molecular consequence: missense variant.
Genome position (GRCh38, 1-based): chr10:78,035,619, T>A. VCF-style: chr10-78035619-T-A. GRCh37 (hg19) VCF-style: chr10-79795377-T-A.
Other names: c.178T>A, p.Phe60Ile (NM_001026.5, NM_001142282.2, NM_001142283.2 and 2 more transcripts); short protein forms F60I.
Identifiers: ClinVar variation 1801191 (VCV001801191.1), dbSNP rs2493281474, ClinGen allele CA377328748.

ClinVar aggregate classification (germline): Uncertain significance (1 of 4 stars; one submission).

Submission:

GeneDx
Classification: Uncertain significance. Last evaluated: 2022-05-25. Review status: criteria provided, single submitter. Criteria: GeneDx Variant Classification Process June 2021. Collection method: clinical testing. Allele origin: germline. Affected: yes.
Comment: Has not been previously published as pathogenic or benign to our knowledge; Not observed at significant frequency in large population cohorts (gnomAD); In silico analysis supports that this missense variant has a deleterious effect on protein structure/function